The following is an entry in ClinVar:

NM_022132.5(MCCC2):c.278C>T (p.Pro93Leu)

Gene: MCCC2 (methylcrotonyl-CoA carboxylase subunit 2; plus strand). Cytogenetic location: 5q13.2.
Variant type: single nucleotide variant.
Coding change: c.278C>T on transcript NM_022132.5 (MANE Select); coding-DNA position 278, C replaced by T.
Protein change: p.Pro93Leu; replaces proline 93 with leucine.
Molecular consequence: missense variant.
Genome position (GRCh38, 1-based): chr5:71,596,361, C>T. VCF-style: chr5-71596361-C-T. GRCh37 (hg19) VCF-style: chr5-70892188-C-T.
Other names: c.278C>T, p.Pro93Leu (NM_001363147.1); short protein forms P93L.
Identifiers: ClinVar variation 4771873 (VCV004771873.1).

ClinVar aggregate classification (germline): Uncertain significance (1 of 4 stars; one submission).

Conditions:
3-methylcrotonyl-CoA carboxylase 2 deficiency. Also called: 3 alpha methylcrotonyl-CoA carboxylase 2 deficiency; 3 alpha methylcrotonylglycinuria 2; MCC 2 deficiency; Methylcrotonylglycinuria type 2; METHYLCROTONYLGLYCINURIA, TYPE II. Identifiers: Orphanet 6, MedGen C1859499, MONDO:0008862, OMIM 210210.

Submission:

Labcorp Genetics (formerly Invitae), Labcorp
Classification: Uncertain significance for 3-methylcrotonyl-CoA carboxylase 2 deficiency. Last evaluated: 2025-12-28. Review status: criteria provided, single submitter. Criteria: Invitae Variant Classification Sherloc (09022015). Collection method: clinical testing. Allele origin: germline.
Comment: This sequence change replaces proline, which is neutral and non-polar, with leucine, which is neutral and non-polar, at codon 93 of the MCCC2 protein (p.Pro93Leu). This variant is not present in population databases (gnomAD no frequency). This variant has not been reported in the literature in individuals affected with MCCC2-related conditions. Invitae Evidence Modeling of protein sequence and biophysical properties (such as structural, functional, and spatial information, amino acid conservation, physicochemical variation, residue mobility, and thermodynamic stability) indicates that this missense variant is not expected to disrupt MCCC2 protein function with a negative predictive value of 80%. In summary, the available evidence is currently insufficient to determine the role of this variant in disease. Therefore, it has been classified as a Variant of Uncertain Significance.